The following is an entry in ClinVar:

NM_000517.6(HBA2):c.301-1G>A

Genes: HBA2 (hemoglobin subunit alpha 2; plus strand), LOC106804612 (hemoglobin subunit alpha 2 recombination region; plus strand). Cytogenetic location: 16p13.3.
Variant type: single nucleotide variant.
Coding change: c.301-1G>A on transcript NM_000517.6 (MANE Select); the canonical splice acceptor site of the intron before coding-DNA position 301, G replaced by A.
Molecular consequence: splice acceptor variant.
Genome position (GRCh38, 1-based): chr16:173,471, G>A. VCF-style: chr16-173471-G-A. GRCh37 (hg19) VCF-style: chr16-223470-G-A.
Other names: IVS II-142 G>A; IVS2AS, G-A, -1; c.301-1G>A (NM_000517.5).
Identifiers: ClinVar variation 15668 (VCV000015668.8), dbSNP rs587776827, ClinGen allele CA125624.

ClinVar aggregate classification (germline): Likely pathogenic. Review status: criteria provided, multiple submitters, no conflicts (2 of 4 stars). 7 submissions from 6 submitters: Likely pathogenic (4). 3 of the submissions do not count toward it. Last evaluated 2025-07-23.

Conditions:
Erythrocytosis, familial, 7. Also called: ERYTHROCYTOSIS 7; ERYTHROCYTOSIS, ALPHA-GLOBIN TYPE; POLYCYTHEMIA, ALPHA-GLOBIN TYPE. Identifiers: MedGen C4693823, MONDO:0054802, OMIM 617981.
alpha Thalassemia. Also called: Alpha thalassemia spectrum. Identifiers: Orphanet 846, MedGen C0002312, MONDO:0011399, OMIM 604131.
Heinz body anemia. Also called: Heinz body hemolytic anemia. Identifiers: Orphanet 178330, MedGen C0700299, MONDO:0007705, OMIM 140700, HP:0005511.
Hemoglobin H disease (HBH). Also called: ALPHA-THALASSEMIA, HEMOGLOBIN H TYPE; HEMOGLOBIN H DISEASE, DELETIONAL; Hemoglobin H (HbH) Disease. Identifiers: Orphanet 93616, MedGen C3161174, MONDO:0013512, OMIM 613978. Disease mechanism: loss of function.
Hemoglobin H disease, nondeletional. Identifiers: MedGen C3279561.
HEMOGLOBIN CLINICO-MADRID.

Allele frequency attached by ClinVar (database versions not stated): gnomAD exomes below 0.00001.

Submissions (7):

Natera, Inc.
Classification: Likely pathogenic for Alpha thalassemia. Last evaluated: 2025-07-23. Review status: criteria provided, single submitter. Criteria: Natera Variant Classification Schema (03/2026). Collection method: clinical testing. Allele origin: germline.
Comment: The c.301-1G>A variant in HBA2 is a canonical splice acceptor site variant predicted to affect pre-mRNA splicing, which may result in an abnormal transcript and altered protein product. This variant may result in a truncated or dysfunctional protein product. This variant is rare in the general population with a frequency below the threshold expected for the associated phenotype(s). This variant has been observed in one or more individuals affected with the associated recessive disease, as either homozygous or compound heterozygous with a second variant (PMID: 11570724, 33979976, 23614625). Given the available evidence, this variant is classified as Likely Pathogenic.

Quest Diagnostics Nichols Institute San Juan Capistrano
Classification: Likely pathogenic. Last evaluated: 2025-03-28. Review status: criteria provided, single submitter. Criteria: Quest Diagnostics criteria. Collection method: clinical testing. Allele origin: unknown.
Comment: The HBA2 c.301-1G>A variant (also known as IVS-II-142 G>A) disrupts a canonical splice-acceptor site and is predicted to interfere with splicing of the terminal exon of the HBA2 gene. While this variant maintains the transcript reading frame, the resulting loss of approximately 30% of the total protein is expected to impact protein structure and/or function. In the published literature, this variant has been reported in an individual with Hb H disease who carried alpha-globin deletions on the opposing chromosome (PMID: 11570724 (2001)). This variant has not been reported in large, multi-ethnic general populations (Genome Aggregation Database). Based on the available information, this variant is classified as likely pathogenic.

Fulgent Genetics
Classification: Likely pathogenic for Heinz body anemia; alpha Thalassemia; Hemoglobin H disease; Erythrocytosis, familial, 7. Last evaluated: 2021-11-12. Review status: criteria provided, single submitter. Criteria: ACMG Guidelines, 2015. Collection method: clinical testing. Allele origin: unknown.

Juno Genomics, Hangzhou Juno Genomics, Inc
Classification: Likely pathogenic for Erythrocytosis, familial, 7; Heinz body anemia; Hemoglobin H disease; alpha Thalassemia. Review status: criteria provided, single submitter. Criteria: ACMG Guidelines, 2015. Collection method: clinical testing. Allele origin: germline.
Comment: Absent from controls (or at extremely low frequency if recessive) in Genome Aggregation Database.;Null variant in a gene where loss of function (LOF) is a known mechanism of disease.;For recessive disorders, detected in trans with a pathogenic variant.

The ITHANET community portal, The Cyprus Institute of Neurology and Genetics
Classification: Pathogenic for alpha Thalassemia. Last evaluated: 2019-11-25. Review status: no assertion criteria provided. Collection method: curation. Allele origin: germline. Not counted in ClinVar's aggregate classification.

OMIM
Classification: other for HEMOGLOBIN CLINICO-MADRID. Last evaluated: 2013-03-28. Review status: no assertion criteria provided. Collection method: literature only. Allele origin: germline. Not counted in ClinVar's aggregate classification.

OMIM
Classification: Pathogenic for HEMOGLOBIN H DISEASE, NONDELETIONAL. Last evaluated: 2001-08-01. Review status: no assertion criteria provided. Collection method: literature only. Allele origin: germline. Not counted in ClinVar's aggregate classification.

Literature cited by the submitters: PubMed 11570724 (cited by 4 submitters); PubMed 33979976 (cited by Natera, Inc.); PubMed 23614625 (cited by Natera, Inc.).